The following is an entry in ClinVar:

ClinVar aggregate classification (germline): Likely benign. Review status: criteria provided, multiple submitters, no conflicts (2 of 4 stars). 2 submissions from 2 submitters: Likely benign (2). Last evaluated 2025-06-04.

Conditions:
Birt-Hogg-Dube syndrome. Also called: Birt Hogg Dubé syndrome. Identifiers: Orphanet 122, MedGen C0346010, MONDO:0800444.
Birt-Hogg-Dube syndrome 1 (BHD1). Also called: FIBROFOLLICULOMAS WITH TRICHODISCOMAS AND ACROCHORDONS. Identifiers: Orphanet 122, MedGen CN375946, MONDO:0800445, OMIM 135150.

Submissions (2):

Labcorp Genetics (formerly Invitae), Labcorp
Classification: Likely benign for Birt-Hogg-Dube syndrome. Last evaluated: 2025-06-04. Review status: criteria provided, single submitter. Criteria: Invitae Variant Classification Sherloc (09022015). Collection method: clinical testing. Allele origin: germline.

Myriad Genetics, Inc.
Classification: Likely benign for Birt-Hogg-Dube syndrome 1. Last evaluated: 2024-10-23. Review status: criteria provided, single submitter. Criteria: Myriad Autosomal Dominant, Autosomal Recessive and X-Linked Classification Criteria (2023). Collection method: clinical testing. Allele origin: unknown.
Comment: This variant is considered likely benign. This variant is intronic and is not expected to impact mRNA splicing.

NM_144997.7(FLCN):c.872-14_872-13inv

Gene: FLCN (folliculin; minus strand). Cytogenetic location: 17p11.2.
Variant type: Inversion.
Coding change: c.872-14_872-13inv on transcript NM_144997.7 (MANE Select).
Molecular consequence: intron variant.
Genome position: GRCh38 VCF-style: chr17-17219222-TG-CA. GRCh37 (hg19) VCF-style: chr17-17122536-TG-CA.
Other names: c.872-14_872-13inv (NM_001353231.2, NM_001353230.2); c.926-14_926-13inv (NM_001353229.2).
Identifiers: ClinVar variation 2713798 (VCV002713798.4), ClinGen allele CA2697559480.